The following is an entry in ClinVar:

NM_005422.4(TECTA):c.1912G>A (p.Val638Ile)

Genes: TBCEL-TECTA (TBCEL-TECTA readthrough; plus strand), TECTA (tectorin alpha; plus strand). Cytogenetic location: 11q23.3.
Variant type: single nucleotide variant.
Coding change: c.1912G>A on transcript NM_005422.4 (MANE Select); coding-DNA position 1912, G replaced by A.
Protein change: p.Val638Ile; replaces valine 638 with isoleucine.
Molecular consequence: missense variant.
Genome position (GRCh38, 1-based): chr11:121,127,889, G>A. VCF-style: chr11-121127889-G-A. GRCh37 (hg19) VCF-style: chr11-120998598-G-A.
Other names: c.2869G>A, p.Val957Ile (NM_001378761.1); short protein forms V638I, V957I.
Identifiers: ClinVar variation 2500658 (VCV002500658.1), dbSNP rs764685019, ClinGen allele CA6326881.

ClinVar aggregate classification (germline): Uncertain significance (1 of 4 stars; one submission).

Allele frequency attached by ClinVar (database versions not stated): gnomAD exomes below 0.00001; ExAC 0.00001; gnomAD 0.00003.
gnomAD v4.1: 11 of 1,613,946 alleles (0.00068%); highest among the groups gnomAD compares: African/African-American, 0.008%; no homozygotes.

Submission:

GeneDx
Classification: Uncertain significance. Last evaluated: 2022-10-27. Review status: criteria provided, single submitter. Criteria: GeneDx Variant Classification Process June 2021. Collection method: clinical testing. Allele origin: germline. Affected: yes.
Comment: In silico analysis supports that this missense variant does not alter protein structure/function; Located in the zonadhesin (ZA) and trypsin inhibitor-like cysteine-rich 1 (TIL1) domains (Verhoeven et al., 1998; Hildebrand et al., 2011; Yasukawa et al., 2019); Has not been previously published as pathogenic or benign to our knowledge; This variant is associated with the following publications: (PMID: 31554319, 9590290, 21520338)